The following is an entry in ClinVar:

NM_206933.4(USH2A):c.4282T>C (p.Ser1428Pro)

Gene: USH2A (usherin; minus strand). Cytogenetic location: 1q41.
Variant type: single nucleotide variant.
Coding change: c.4282T>C on transcript NM_206933.4 (MANE Select); coding-DNA position 4282, T replaced by C.
Protein change: p.Ser1428Pro; replaces serine 1428 with proline.
Molecular consequence: missense variant.
Genome position (GRCh38, 1-based): chr1:216,190,337, A>G on the plus strand (T>C on the coding strand, the complement: USH2A is on the minus strand). VCF-style: chr1-216190337-A-G. GRCh37 (hg19) VCF-style: chr1-216363679-A-G.
Other names: c.4282T>C, p.Ser1428Pro (NM_007123.6); short protein forms S1428P.
Identifiers: ClinVar variation 287287 (VCV000287287.11), dbSNP rs369185265, ClinGen allele CA10605733.

ClinVar aggregate classification (germline): Uncertain significance. Review status: criteria provided, multiple submitters, no conflicts (2 of 4 stars). 4 submissions from 3 submitters: Uncertain significance (4). Last evaluated 2023-11-04.

Conditions:
Usher syndrome type 2A. Also called: USHER SYNDROME, TYPE IIA; RETINAL DISEASE IN USHER SYNDROME TYPE IIA, MODIFIER OF. Identifiers: Orphanet 231178, Orphanet 886, MedGen C1848634, MONDO:0010169, OMIM 276901.
Retinitis pigmentosa 39 (RP39). Identifiers: Orphanet 791, MedGen C3151138, MONDO:0013436, OMIM 613809.

Allele frequency attached by ClinVar (database versions not stated): ESP Exome Variant Server 0.00008.

Submissions (4):

Genome-Nilou Lab
Classification: Uncertain significance for Retinitis pigmentosa 39. Last evaluated: 2023-11-04. Review status: criteria provided, single submitter. Criteria: ACMG Guidelines, 2015. Collection method: clinical testing. Allele origin: germline. Affected: no.

Genome-Nilou Lab
Classification: Uncertain significance for Usher syndrome type 2A. Last evaluated: 2023-11-04. Review status: criteria provided, single submitter. Criteria: ACMG Guidelines, 2015. Collection method: clinical testing. Allele origin: germline. Affected: no.

Labcorp Genetics (formerly Invitae), Labcorp
Classification: Uncertain significance. Last evaluated: 2021-08-20. Review status: criteria provided, single submitter. Criteria: Invitae Variant Classification Sherloc (09022015). Collection method: clinical testing. Allele origin: germline.
Comment: This sequence change replaces serine with proline at codon 1428 of the USH2A protein (p.Ser1428Pro). The serine residue is moderately conserved and there is a moderate physicochemical difference between serine and proline. This variant is not present in population databases (ExAC no frequency). This variant has not been reported in the literature in individuals affected with USH2A-related conditions. ClinVar contains an entry for this variant (Variation ID: 287287). Algorithms developed to predict the effect of missense changes on protein structure and function are either unavailable or do not agree on the potential impact of this missense change (SIFT: "Deleterious"; PolyPhen-2: "Probably Damaging"; Align-GVGD: "Class C0"). In summary, the available evidence is currently insufficient to determine the role of this variant in disease. Therefore, it has been classified as a Variant of Uncertain Significance.

Eurofins Ntd Llc (ga)
Classification: Uncertain significance. Last evaluated: 2016-05-26. Review status: criteria provided, single submitter. Criteria: EGL Classification Definitions 2015. Collection method: clinical testing. Allele origin: germline. Observed: 1 variant allele, 1 heterozygote.